The following is an entry in ClinVar:

NC_000015.10:g.(?_90747393)_(90815279_?)del

Gene: BLM (BLM RecQ like helicase; plus strand). Cytogenetic location: 15q26.1.
Variant type: Deletion.
Identifiers: ClinVar variation 832791 (VCV000832791.1).

ClinVar aggregate classification (germline): Pathogenic (1 of 4 stars; one submission).

Conditions:
Bloom syndrome (BLM). Also called: Bloom-Torre-Machacek syndrome. Identifiers: Orphanet 125, MedGen C0005859, MONDO:0008876, OMIM 210900.

Submission:

Labcorp Genetics (formerly Invitae), Labcorp
Classification: Pathogenic for Bloom syndrome. Last evaluated: 2019-12-11. Review status: criteria provided, single submitter. Criteria: Invitae Variant Classification Sherloc (09022015). Collection method: clinical testing. Allele origin: germline.
Comment: A gross deletion of the genomic region encompassing the full coding sequence of the BLM gene has been identified. The boundaries of this event are unknown as the deletion extends beyond the assayed region for this gene and therefore may encompass additional genes. This variant has not been reported in the literature in individuals with BLM-related conditions. Loss-of-function variants in BLM are known to be pathogenic (PMID: 17407155). For these reasons, this variant has been classified as Pathogenic.